The following is an entry in ClinVar:

ClinVar aggregate classification (germline): Uncertain significance (1 of 4 stars; one submission).

Submission:

Dasa
Classification: Uncertain significance. Last evaluated: 2026-04-04. Review status: criteria provided, single submitter. Criteria: DASA Assertion Criteria. Collection method: clinical testing. Allele origin: germline.
Comment: NM_000489.6(ATRX):c.2981A>G (p.Lys994Arg) is a missense variant that results in the substitution of lysine with arginine. This variant is absent from population databases. The currently available literature and clinical evidence are not sufficient to establish a definitive association between this variant and the reported condition. Therefore, this variant is classified as a variant of uncertain significance.

NM_000489.6(ATRX):c.2981A>G (p.Lys994Arg)

Gene: ATRX (ATRX chromatin remodeler; minus strand). Cytogenetic location: Xq21.1.
Variant type: single nucleotide variant.
Coding change: c.2981A>G on transcript NM_000489.6 (MANE Select); coding-DNA position 2981, A replaced by G.
Protein change: p.Lys994Arg; replaces lysine 994 with arginine.
Molecular consequence: missense variant.
Genome position (GRCh38, 1-based): chrX:77,682,275, T>C on the plus strand (A>G on the coding strand, the complement: ATRX is on the minus strand). VCF-style: chrX-77682275-T-C. GRCh37 (hg19) VCF-style: chrX-76937767-T-C.
Other names: c.2867A>G, p.Lys956Arg (NM_138270.5); short protein forms K956R, K994R.
Identifiers: ClinVar variation 4885555 (VCV004885555.2).
Genomic context (GRCh38, chrX:77,682,275, plus strand): 5'-TCAGATGAAGATTCATACTGTTGTTCCATTTTAATTACTTTTTTCTTAAAGTCTGAAGGT[T>C]TCTTTTTTTCTTCAGTTCCCTTTTTGCTCTGCTTTTTATCATCTTCAGAAGTTTCATCGC-3'
Protein context (NP_000480.3, residues 984-1004): QSKKGTEEKK[Lys994Arg]PSDFKKKVIK